The following is an entry in ClinVar:

ClinVar aggregate classification (germline): Uncertain significance (1 of 4 stars; one submission).

Conditions:
Inborn genetic diseases. Identifiers: MedGen C0950123, MeSH D030342.

gnomAD v4.1: 5 of 1,605,004 alleles (0.00031%); highest among the groups gnomAD compares: Non-Finnish European, 0.00042%; no homozygotes.

Submission:

Ambry Genetics
Classification: Uncertain significance for Inborn genetic diseases. Last evaluated: 2025-10-11. Review status: criteria provided, single submitter. Criteria: Ambry Variant Classification Scheme 2023. Collection method: clinical testing. Allele origin: germline.
Comment: The p.D811E variant (also known as c.2433C>A), located in coding exon 26 of the RTEL1 gene, results from a C to A substitution at nucleotide position 2433. The aspartic acid at codon 811 is replaced by glutamic acid, an amino acid with highly similar properties. This amino acid position is conserved. In addition, this alteration is predicted to be tolerated by in silico analysis. Based on the available evidence, the clinical significance of this variant remains unclear.

NM_001283009.2(RTEL1):c.2433C>A (p.Asp811Glu)

Genes: RTEL1 (regulator of telomere elongation helicase 1; plus strand), RTEL1-TNFRSF6B (RTEL1-TNFRSF6B readthrough (NMD candidate); plus strand). Cytogenetic location: 20q13.33.
Variant type: single nucleotide variant.
Coding change: c.2433C>A on transcript NM_001283009.2 (MANE Select); coding-DNA position 2433, C replaced by A.
Protein change: p.Asp811Glu; replaces aspartic acid 811 with glutamic acid.
Molecular consequence: missense variant. On other transcripts: non-coding transcript variant (1).
Genome position (GRCh38, 1-based): chr20:63,690,824, C>A. VCF-style: chr20-63690824-C-A. GRCh37 (hg19) VCF-style: chr20-62322177-C-A.
Other names: c.1764C>A, p.Asp588Glu (NM_001283010.1); c.2433C>A, p.Asp811Glu (NM_016434.4); c.2505C>A, p.Asp835Glu (NM_032957.5); short protein forms D588E, D835E, D811E.
Identifiers: ClinVar variation 4629536 (VCV004629536.1).